The following is an entry in ClinVar:

NM_000245.4(MET):c.1776G>C (p.Arg592Ser)

Gene: MET (MET proto-oncogene, receptor tyrosine kinase; plus strand). Cytogenetic location: 7q31.2.
Variant type: single nucleotide variant.
Coding change: c.1776G>C on transcript NM_000245.4 (MANE Select); coding-DNA position 1776, G replaced by C.
Protein change: p.Arg592Ser; replaces arginine 592 with serine.
Molecular consequence: missense variant.
Genome position (GRCh38, 1-based): chr7:116,755,429, G>C. VCF-style: chr7-116755429-G-C. GRCh37 (hg19) VCF-style: chr7-116395483-G-C.
Other names: c.1776G>C, p.Arg592Ser (NM_001127500.3, NM_001324401.3); c.486G>C, p.Arg162Ser (NM_001324402.2); c.1776G>C (NM_000245.2); short protein forms R592S, R162S.
Identifiers: ClinVar variation 2766817 (VCV002766817.4), dbSNP rs2116909808, ClinGen allele CA368977814.

ClinVar aggregate classification (germline): Uncertain significance. Review status: criteria provided, multiple submitters, no conflicts (2 of 4 stars). 2 submissions from 2 submitters: Uncertain significance (2). Last evaluated 2026-07-07.

Conditions:
Hereditary cancer-predisposing syndrome. Also called: Hereditary Cancer Syndrome; Hereditary neoplastic syndrome; Neoplastic Syndromes, Hereditary; Tumor predisposition. Identifiers: Orphanet 140162, MedGen C0027672, MeSH D009386, MONDO:0015356.
Renal cell carcinoma. Identifiers: Orphanet 217071, MedGen C0007134, MeSH D002292, MONDO:0005086, HP:0005584.

Submissions (2):

Ambry Genetics
Classification: Uncertain significance for Hereditary cancer-predisposing syndrome. Last evaluated: 2026-07-07. Review status: criteria provided, single submitter. Criteria: Ambry Variant Classification Scheme 2023. Collection method: clinical testing. Allele origin: germline.
Comment: The p.R592S variant (also known as c.1776G>C), located in coding exon 5 of the MET gene, results from a G to C substitution at nucleotide position 1776. The arginine at codon 592 is replaced by serine, an amino acid with dissimilar properties. This amino acid position is conserved. In addition, this alteration is predicted to be tolerated by in silico analysis. Based on the available evidence, the clinical significance of this variant remains unclear.

Labcorp Genetics (formerly Invitae), Labcorp
Classification: Uncertain significance for Renal cell carcinoma. Last evaluated: 2023-10-20. Review status: criteria provided, single submitter. Criteria: Invitae Variant Classification Sherloc (09022015). Collection method: clinical testing. Allele origin: germline.
Comment: This sequence change replaces arginine, which is basic and polar, with serine, which is neutral and polar, at codon 592 of the MET protein (p.Arg592Ser). This variant is not present in population databases (gnomAD no frequency). This variant has not been reported in the literature in individuals affected with MET-related conditions. Advanced modeling of protein sequence and biophysical properties (such as structural, functional, and spatial information, amino acid conservation, physicochemical variation, residue mobility, and thermodynamic stability) performed at Invitae indicates that this missense variant is not expected to disrupt MET protein function. In summary, the available evidence is currently insufficient to determine the role of this variant in disease. Therefore, it has been classified as a Variant of Uncertain Significance.